The following is an entry in ClinVar:

ClinVar aggregate classification (germline): Uncertain significance. Review status: criteria provided, multiple submitters, no conflicts (2 of 4 stars). 10 submissions from 10 submitters: Uncertain significance (9). 1 of the submissions does not count toward it. Last evaluated 2025-12-29.

Conditions:
Breast-ovarian cancer, familial, susceptibility to, 4. Identifiers: Orphanet 145, MedGen C3280345, MONDO:0013669, OMIM 614291.
Hereditary cancer-predisposing syndrome. Also called: Neoplastic Syndromes, Hereditary; Tumor predisposition; Hereditary Cancer Syndrome; Hereditary neoplastic syndrome. Identifiers: Orphanet 140162, MedGen C0027672, MeSH D009386, MONDO:0015356.

Allele frequency attached by ClinVar (database versions not stated): gnomAD 0.00001; gnomAD exomes 0.00001 and 0.00002; TOPMed 0.00001; ExAC 0.00003.

Submissions (10):

Center for Genomic Medicine, Rigshospitalet, Copenhagen University Hospital
Classification: Uncertain significance. Last evaluated: 2025-12-29. Review status: criteria provided, single submitter. Criteria: ACMG Guidelines, 2015. Collection method: clinical testing. Allele origin: germline.

Labcorp Genetics (formerly Invitae), Labcorp
Classification: Uncertain significance for Breast-ovarian cancer, familial, susceptibility to, 4. Last evaluated: 2025-12-21. Review status: criteria provided, single submitter. Criteria: Invitae Variant Classification Sherloc (09022015). Collection method: clinical testing. Allele origin: germline.
Comment: This sequence change replaces arginine, which is basic and polar, with cysteine, which is neutral and slightly polar, at codon 145 of the RAD51D protein (p.Arg145Cys). This variant is present in population databases (rs755173206, gnomAD 0.006%). This missense change has been observed in individual(s) with colorectal cancer (PMID: 28135145). ClinVar contains an entry for this variant (Variation ID: 231938). Invitae Evidence Modeling of protein sequence and biophysical properties (such as structural, functional, and spatial information, amino acid conservation, physicochemical variation, residue mobility, and thermodynamic stability) indicates that this missense variant is expected to disrupt RAD51D protein function with a positive predictive value of 80%. In summary, the available evidence is currently insufficient to determine the role of this variant in disease. Therefore, it has been classified as a Variant of Uncertain Significance.

KCCC/NGS Laboratory, Kuwait Cancer Control Center
Classification: Uncertain significance for Breast-ovarian cancer, familial, susceptibility to, 4. Last evaluated: 2025-12-01. Review status: criteria provided, single submitter. Criteria: ACMG Guidelines, 2015. Collection method: clinical testing. Allele origin: germline. Inheritance: Autosomal dominant inheritance. Affected: yes.
Comment: the available evidence is currently insufficient to determine the role of this variant in disease. Therefore, it has been classified as a Variant of Uncertain Significance

Quest Diagnostics Nichols Institute San Juan Capistrano
Classification: Uncertain significance. Last evaluated: 2025-05-12. Review status: criteria provided, single submitter. Criteria: Quest Diagnostics criteria. Collection method: clinical testing. Allele origin: unknown.
Comment: The RAD51D c.433C>T (p.Arg145Cys) variant has been reported in the published literature in individual with colorectal cancer (PMID: 28135145 (2017)). This variant has also been identified in a reportedly unaffected individual (PMID: 33471991 (2021), see also LOVD). The frequency of this variant in the general population (Genome Aggregation Database) is uninformative in the assessment of its pathogenicity. Analysis of this variant using bioinformatics tools for the prediction of the effect of amino acid changes on protein structure and function yielded conflicting predictions that this variant is benign or damaging. Based on the available information, we are unable to determine the clinical significance of this variant.

Ambry Genetics
Classification: Uncertain significance for Hereditary cancer-predisposing syndrome. Last evaluated: 2025-01-07. Review status: criteria provided, single submitter. Criteria: Ambry Variant Classification Scheme 2023. Collection method: clinical testing. Allele origin: germline.
Comment: The p.R145C variant (also known as c.433C>T), located in coding exon 5 of the RAD51D gene, results from a C to T substitution at nucleotide position 433. The arginine at codon 145 is replaced by cysteine, an amino acid with highly dissimilar properties. This amino acid position is highly conserved in available vertebrate species. In addition, this alteration is predicted to be deleterious by in silico analysis. Since supporting evidence is limited at this time, the clinical significance of this alteration remains unclear.

Color Diagnostics, LLC DBA Color Health
Classification: Uncertain significance for Hereditary cancer-predisposing syndrome. Last evaluated: 2024-12-18. Review status: criteria provided, single submitter. Criteria: ACMG Guidelines, 2015. Collection method: clinical testing. Allele origin: germline.
Comment: This missense variant replaces arginine with cysteine at codon 145 of the RAD51D protein. Computational prediction suggests that this variant may have deleterious impact on protein structure and function. To our knowledge, functional studies have not been reported for this variant. This variant has been reported in an individual affected with colorectal cancer (PMID: 28135145). This variant has been identified in 4/251468 chromosomes in the general population by the Genome Aggregation Database (gnomAD). The available evidence is insufficient to determine the role of this variant in disease conclusively. Therefore, this variant is classified as a Variant of Uncertain Significance.

Baylor Genetics
Classification: Uncertain significance for Breast-ovarian cancer, familial, susceptibility to, 4. Last evaluated: 2023-11-27. Review status: criteria provided, single submitter. Criteria: ACMG Guidelines, 2015. Collection method: clinical testing. Allele origin: unknown.

Myriad Genetics, Inc.
Classification: Uncertain significance for Breast-ovarian cancer, familial, susceptibility to, 4. Last evaluated: 2023-04-06. Review status: criteria provided, single submitter. Criteria: Myriad Autosomal Dominant, Autosomal Recessive and X-Linked Classification Criteria (2023). Collection method: clinical testing. Allele origin: unknown.
Comment: This variant is classified as a variant of uncertain significance as there is insufficient evidence to determine its impact on protein function and/or cancer risk.

GeneDx
Classification: Uncertain significance. Last evaluated: 2021-04-01. Review status: criteria provided, single submitter. Criteria: GeneDx Variant Classification Process June 2021. Collection method: clinical testing. Allele origin: germline. Affected: yes.
Comment: Not observed at a significant frequency in large population cohorts (Lek 2016); In silico analysis supports that this missense variant has a deleterious effect on protein structure/function; Observed in individuals with colorectal cancer (Yurgelun 2017); This variant is associated with the following publications: (PMID: 30413523, 28135145)

Counsyl
Classification: Uncertain significance for Breast-ovarian cancer, familial, susceptibility to, 4. Last evaluated: 2018-02-06. Review status: no assertion criteria provided. Collection method: clinical testing. Allele origin: unknown. Not counted in ClinVar's aggregate classification.

Literature cited by the submitters: PubMed 28135145 (cited by 4 submitters); PubMed 33471991 (cited by Quest Diagnostics Nichols Institute San Juan Capistrano).

NM_002878.4(RAD51D):c.433C>T (p.Arg145Cys)

Genes: RAD51D (RAD51 paralog D; minus strand), RAD51L3-RFFL (RAD51L3-RFFL readthrough; minus strand). Cytogenetic location: 17q12.
Variant type: single nucleotide variant.
Coding change: c.433C>T on transcript NM_002878.4 (MANE Select); coding-DNA position 433, C replaced by T.
Protein change: p.Arg145Cys; replaces arginine 145 with cysteine.
Molecular consequence: missense variant. On other transcripts: non-coding transcript variant (1), intron variant (1).
Genome position (GRCh38, 1-based): chr17:35,107,035, G>A on the plus strand (C>T on the coding strand, the complement: RAD51D is on the minus strand). VCF-style: chr17-35107035-G-A. GRCh37 (hg19) VCF-style: chr17-33434054-G-A.
Other names: c.493C>T, p.Arg165Cys (NM_001142571.2); c.145-554C>T (NM_133629.3); short protein forms R145C, R165C.
Identifiers: ClinVar variation 231938 (VCV000231938.31), dbSNP rs755173206, ClinGen allele CA8499478.